The following is an entry in ClinVar:

ClinVar aggregate classification (germline): Uncertain significance (1 of 4 stars; one submission).

Conditions:
Emery-Dreifuss muscular dystrophy 5, autosomal dominant (EDMD5). Also called: EMERY-DREIFUSS MUSCULAR DYSTROPHY 5. Identifiers: Orphanet 261, MedGen C2751805, MONDO:0013072, OMIM 612999.

gnomAD v4.1: 3 of 1,613,926 alleles (0.00019%); highest among the groups gnomAD compares: Non-Finnish European, 0.00025%; no homozygotes.

Submission:

Labcorp Genetics (formerly Invitae), Labcorp
Classification: Uncertain significance for Emery-Dreifuss muscular dystrophy 5, autosomal dominant. Last evaluated: 2022-07-19. Review status: criteria provided, single submitter. Criteria: Invitae Variant Classification Sherloc (09022015). Collection method: clinical testing. Allele origin: germline.
Comment: This sequence change replaces proline, which is neutral and non-polar, with leucine, which is neutral and non-polar, at codon 4208 of the SYNE2 protein (p.Pro4208Leu). This variant is not present in population databases (gnomAD no frequency). This variant has not been reported in the literature in individuals affected with SYNE2-related conditions. Algorithms developed to predict the effect of missense changes on protein structure and function are either unavailable or do not agree on the potential impact of this missense change (SIFT: "Deleterious"; PolyPhen-2: "Possibly Damaging"; Align-GVGD: "Class C0"). In summary, the available evidence is currently insufficient to determine the role of this variant in disease. Therefore, it has been classified as a Variant of Uncertain Significance.

NM_182914.3(SYNE2):c.12623C>T (p.Pro4208Leu)

Gene: SYNE2 (spectrin repeat containing nuclear envelope protein 2; plus strand). Cytogenetic location: 14q23.2.
Variant type: single nucleotide variant.
Coding change: c.12623C>T on transcript NM_182914.3 (MANE Select); coding-DNA position 12623, C replaced by T.
Protein change: p.Pro4208Leu; replaces proline 4208 with leucine.
Molecular consequence: missense variant.
Genome position (GRCh38, 1-based): chr14:64,113,354, C>T. VCF-style: chr14-64113354-C-T. GRCh37 (hg19) VCF-style: chr14-64580072-C-T.
Other names: c.12623C>T, p.Pro4208Leu (NM_015180.6); short protein forms P4208L.
Identifiers: ClinVar variation 1981444 (VCV001981444.4), dbSNP rs2549032800, ClinGen allele CA389957542.